The following is an entry in ClinVar:

NM_001005361.3(DNM2):c.1879C>G (p.Pro627Ala)

Gene: DNM2 (dynamin 2; plus strand). Cytogenetic location: 19p13.2.
Variant type: single nucleotide variant.
Coding change: c.1879C>G on transcript NM_001005361.3 (MANE Select); coding-DNA position 1879, C replaced by G.
Protein change: p.Pro627Ala; replaces proline 627 with alanine.
Molecular consequence: missense variant.
Genome position (GRCh38, 1-based): chr19:10,823,885, C>G. VCF-style: chr19-10823885-C-G. GRCh37 (hg19) VCF-style: chr19-10934561-C-G.
Other names: c.1879C>G, p.Pro627Ala (NM_001005360.3, NM_001190716.2); c.1867C>G, p.Pro623Ala (NM_001005362.3, NM_004945.4); short protein forms P627A, P623A.
Identifiers: ClinVar variation 265656 (VCV000265656.3), dbSNP rs886039704, ClinGen allele CA10588681.

ClinVar aggregate classification (germline): Pathogenic (1 of 4 stars; one submission).

Submission:

GeneDx
Classification: Pathogenic. Last evaluated: 2020-01-06. Review status: criteria provided, single submitter. Criteria: GeneDx Variant Classification Process June 2021. Collection method: clinical testing. Allele origin: germline. Affected: yes.
Comment: Not observed in large population cohorts (Lek et al., 2016); The majority of missense variants in this gene are considered pathogenic (Stenson et al., 2014); In silico analysis, which includes protein predictors and evolutionary conservation, supports a deleterious effect; Previously reported in an individual with centronuclear myopathy (Park et al., 2018); This variant is associated with the following publications: (PMID: 29669168)